The following is an entry in ClinVar:

NM_000275.3(OCA2):c.1837A>T (p.Lys613Ter)

Gene: OCA2 (OCA2 melanosomal transmembrane protein; minus strand). Cytogenetic location: 15q13.1.
Variant type: single nucleotide variant.
Coding change: c.1837A>T on transcript NM_000275.3 (MANE Select); coding-DNA position 1837, A replaced by T.
Protein change: p.Lys613Ter; replaces lysine 613 with a stop codon.
Molecular consequence: nonsense.
Genome position (GRCh38, 1-based): chr15:27,955,163, T>A on the plus strand (A>T on the coding strand, the complement: OCA2 is on the minus strand). VCF-style: chr15-27955163-T-A. GRCh37 (hg19) VCF-style: chr15-28200309-T-A.
Other names: c.1765A>T, p.Lys589Ter (NM_001300984.2); short protein forms K589*, K613*.
Identifiers: ClinVar variation 5013543 (VCV005013543.1).

ClinVar aggregate classification (germline): Pathogenic (1 of 4 stars; one submission).

Conditions:
Tyrosinase-positive oculocutaneous albinism (OCA2). Also called: ALBINISM II; Oculocutaneous albinism type 2; Albinism, oculocutaneous, type II. Identifiers: Orphanet 79432, MedGen C0268495, MONDO:0008746, OMIM 203200.

Submission:

Myriad Genetics, Inc.
Classification: Pathogenic for Tyrosinase-positive oculocutaneous albinism. Last evaluated: 2024-09-11. Review status: criteria provided, single submitter. Criteria: Myriad Autosomal Dominant, Autosomal Recessive and X-Linked Classification Criteria (2023). Collection method: clinical testing. Allele origin: unknown.
Comment: NM_000275.2(OCA2):c.1837A>T(K613*) is expected to be pathogenic in the context of oculocutaneous albinism, OCA2-related. This variant is predicted to lead to an abnormal or absent protein product due to the creation of a premature termination codon in OCA2, a gene where loss-of-function variants are known to be pathogenic. Please note: this variant was assessed in the context of healthy population screening.